The following is an entry in ClinVar:

NM_000921.5(PDE3A):c.905G>A (p.Gly302Asp)

Genes: PDE3A (phosphodiesterase 3A; plus strand), PDE3A-AS1 (PDE3A antisense RNA 1; minus strand). Cytogenetic location: 12p12.2.
Variant type: single nucleotide variant.
Coding change: c.905G>A on transcript NM_000921.5 (MANE Select); coding-DNA position 905, G replaced by A.
Protein change: p.Gly302Asp; replaces glycine 302 with aspartic acid.
Molecular consequence: missense variant. On other transcripts: 5 prime UTR variant (1).
Genome position (GRCh38, 1-based): chr12:20,370,189, G>A. VCF-style: chr12-20370189-G-A. GRCh37 (hg19) VCF-style: chr12-20523123-G-A.
Other names: c.905G>A, p.Gly302Asp (NM_001378407.1); c.-124G>A (NM_001378408.1); short protein forms G302D.
Identifiers: ClinVar variation 1704509 (VCV001704509.5), dbSNP rs140794489, ClinGen allele CA6473557.
Genomic context (GRCh38, chr12:20,370,189, plus strand): 5'-ATATCCCGGTGTTTAAGAGGAGGAGGCGGTCCAGCTCCGTCGTGTCCGCCGAGATGTCCG[G>A]CTGCAGCAGCAAGTCCCATCGGAGGACCTCCCTGCCCTGTATACCGAGGGAACAGGTAAG-3'
Protein context (NP_000912.3, residues 292-312): SSSVVSAEMS[Gly302Asp]CSSKSHRRTS

ClinVar aggregate classification (germline): Conflicting classifications of pathogenicity. Review status: criteria provided, conflicting classifications (1 of 4 stars). 4 submissions from 4 submitters: Uncertain significance (3); Likely benign (1). Last evaluated 2026-06-05.

Conditions:
PDE3A-related disorder. Also called: PDE3A-related condition.

Allele frequency attached by ClinVar (database versions not stated): ExAC 0.00009; TOPMed 0.00010; gnomAD 0.00013; ESP Exome Variant Server 0.00023.
gnomAD v4.1: 307 of 1,609,746 alleles (0.019%); highest among the groups gnomAD compares: Non-Finnish European, 0.025%; no homozygotes.

Submissions (4):

PreventionGenetics, part of Exact Sciences
Classification: Uncertain significance for PDE3A-related condition. Last evaluated: 2026-06-05. Review status: criteria provided, single submitter. Criteria: ACMG Guidelines, 2015. Collection method: clinical testing. Allele origin: germline.
Comment: The PDE3A c.905G>A variant is predicted to result in the amino acid substitution p.Gly302Asp. To our knowledge, this variant has not been reported in the literature. This variant is reported in 0.018% of alleles in individuals of European (Non-Finnish) descent in gnomAD. At this time, the clinical significance of this variant is uncertain due to the absence of conclusive functional and genetic evidence.

Labcorp Genetics (formerly Invitae), Labcorp
Classification: Uncertain significance. Last evaluated: 2024-03-18. Review status: criteria provided, single submitter. Criteria: Invitae Variant Classification Sherloc (09022015). Collection method: clinical testing. Allele origin: germline.
Comment: This sequence change replaces glycine, which is neutral and non-polar, with aspartic acid, which is acidic and polar, at codon 302 of the PDE3A protein (p.Gly302Asp). This variant is present in population databases (rs140794489, gnomAD 0.02%). This variant has not been reported in the literature in individuals affected with PDE3A-related conditions. ClinVar contains an entry for this variant (Variation ID: 1704509). An algorithm developed to predict the effect of missense changes on protein structure and function (PolyPhen-2) suggests that this variant is likely to be tolerated. In summary, the available evidence is currently insufficient to determine the role of this variant in disease. Therefore, it has been classified as a Variant of Uncertain Significance.

Blueprint Genetics
Classification: Likely benign. Last evaluated: 2023-09-20. Review status: criteria provided, single submitter. Criteria: ACMG Guidelines, 2015. Collection method: clinical testing. Allele origin: germline.

Women's Health and Genetics/Laboratory Corporation of America, LabCorp
Classification: Uncertain significance. Last evaluated: 2022-07-19. Review status: criteria provided, single submitter. Criteria: LabCorp Variant Classification Summary - May 2015. Collection method: clinical testing. Allele origin: germline.
Comment: Variant summary: PDE3A c.905G>A (p.Gly302Asp) results in a non-conservative amino acid change in the encoded protein sequence. Three of five in-silico tools predict a benign effect of the variant on protein function. The variant allele was found at a frequency of 7.3e-05 in 245636 control chromosomes (gnomAD). To our knowledge, no occurrence of c.905G>A in individuals affected with Brachydactyly-Arterial Hypertension Syndrome and no experimental evidence demonstrating its impact on protein function have been reported. No clinical diagnostic laboratories have submitted clinical-significance assessments for this variant to ClinVar after 2014. Based on the evidence outlined above, the variant was classified as uncertain significance.